The following is an entry in ClinVar:

ClinVar aggregate classification (germline): Uncertain significance (1 of 4 stars; one submission).

Submission:

Labcorp Genetics (formerly Invitae), Labcorp
Classification: Uncertain significance. Last evaluated: 2022-03-26. Review status: criteria provided, single submitter. Criteria: Invitae Variant Classification Sherloc (09022015). Collection method: clinical testing. Allele origin: germline.
Comment: In summary, the available evidence is currently insufficient to determine the role of this variant in disease. Therefore, it has been classified as a Variant of Uncertain Significance. Advanced modeling of protein sequence and biophysical properties (such as structural, functional, and spatial information, amino acid conservation, physicochemical variation, residue mobility, and thermodynamic stability) performed at Invitae indicates that this missense variant is expected to disrupt ACO2 protein function. This variant has not been reported in the literature in individuals affected with ACO2-related conditions. This variant is not present in population databases (gnomAD no frequency). This sequence change replaces cysteine, which is neutral and slightly polar, with tyrosine, which is neutral and polar, at codon 592 of the ACO2 protein (p.Cys592Tyr).

NM_001098.3(ACO2):c.1775G>A (p.Cys592Tyr)

Genes: ACO2 (aconitase 2; plus strand), POLR3H (RNA polymerase III subunit H; minus strand). Cytogenetic location: 22q13.2.
Variant type: single nucleotide variant.
Coding change: c.1775G>A on transcript NM_001098.3 (MANE Select); coding-DNA position 1775, G replaced by A.
Protein change: p.Cys592Tyr; replaces cysteine 592 with tyrosine.
Molecular consequence: missense variant. On other transcripts: 3 prime UTR variant (5).
Genome position (GRCh38, 1-based): chr22:41,526,275, G>A. VCF-style: chr22-41526275-G-A. GRCh37 (hg19) VCF-style: chr22-41922279-G-A.
Other names: c.*3008C>T (NM_001018050.4, NM_001018052.4, NM_001282884.2 and 2 more transcripts); short protein forms C592Y.
Identifiers: ClinVar variation 2117708 (VCV002117708.4), dbSNP rs2518236102, ClinGen allele CA411728209.
Genomic context (GRCh38, chr22:41,526,275, plus strand): 5'-CTCCAGGGCCATGCCCTGACCTCTGTCCTCTCTACTTACCACCCAAGGTCAAAGGGAAGT[G>A]TACCACTGACCACATCTCAGCTGCTGGCCCCTGGCTCAAGTTCCGTGGGCACTTGGATAA-3'
Protein context (NP_001089.1, residues 582-602): LQILIKVKGK[Cys592Tyr]TTDHISAAGP